The following is an entry in ClinVar:

NM_004036.5(ADCY3):c.3152C>A (p.Ala1051Asp)

Genes: ADCY3 (adenylate cyclase 3; minus strand), CENPO (centromere protein O; plus strand). Cytogenetic location: 2p23.3.
Variant type: single nucleotide variant.
Coding change: c.3152C>A on transcript NM_004036.5 (MANE Select); coding-DNA position 3152, C replaced by A.
Protein change: p.Ala1051Asp; replaces alanine 1051 with aspartic acid.
Molecular consequence: missense variant. On other transcripts: 3 prime UTR variant (3), non-coding transcript variant (3).
Genome position (GRCh38, 1-based): chr2:24,820,824, G>T on the plus strand (C>A on the coding strand, the complement: ADCY3 is on the minus strand). VCF-style: chr2-24820824-G-T. GRCh37 (hg19) VCF-style: chr2-25043693-G-T.
Other names: c.3155C>A, p.Ala1052Asp (NM_001320613.2); c.3218C>A, p.Ala1073Asp (NM_001377128.1); c.3014C>A, p.Ala1005Asp (NM_001377129.1); c.2600C>A, p.Ala867Asp (NM_001377130.1); c.2429C>A, p.Ala810Asp (NM_001377131.1); c.3152C>A, p.Ala1051Asp (NM_001377132.1); c.*1506G>T (NM_001199803.3, NM_001322101.2, NM_024322.4); short protein forms A1005D, A1051D, A1052D, A1073D, A810D, A867D.
Identifiers: ClinVar variation 3346418 (VCV003346418.1).

ClinVar aggregate classification (germline): Uncertain significance (0 of 4 stars; one submission).

Conditions:
ADCY3-related disorder. Also called: ADCY3-related condition.

Submission:

PreventionGenetics, part of Exact Sciences
Classification: Uncertain significance for ADCY3-related condition. Last evaluated: 2024-08-28. Review status: no assertion criteria provided. Collection method: clinical testing. Allele origin: germline.
Comment: The ADCY3 c.3155C>A variant is predicted to result in the amino acid substitution p.Ala1052Asp. To our knowledge, this variant has not been reported in the literature or in a large population database, indicating this variant is rare. At this time, the clinical significance of this variant is uncertain due to the absence of conclusive functional and genetic evidence.